The following is an entry in ClinVar:

NM_001044385.3(TMEM237):c.665A>G (p.His222Arg)

Gene: TMEM237 (transmembrane protein 237; minus strand). Cytogenetic location: 2q33.1.
Variant type: single nucleotide variant.
Coding change: c.665A>G on transcript NM_001044385.3 (MANE Select); coding-DNA position 665, A replaced by G.
Protein change: p.His222Arg; replaces histidine 222 with arginine.
Molecular consequence: missense variant.
Genome position (GRCh38, 1-based): chr2:201,629,741, T>C on the plus strand (A>G on the coding strand, the complement: TMEM237 is on the minus strand). VCF-style: chr2-201629741-T-C. GRCh37 (hg19) VCF-style: chr2-202494464-T-C.
Other names: c.641A>G, p.His214Arg (NM_152388.4); short protein forms H214R, H222R.
Identifiers: ClinVar variation 450257 (VCV000450257.4), dbSNP rs749330370, ClinGen allele CA2056427.

ClinVar aggregate classification (germline): Uncertain significance. Review status: criteria provided, multiple submitters, no conflicts (2 of 4 stars). 2 submissions from 2 submitters: Uncertain significance (2). Last evaluated 2022-10-13.

Conditions:
Joubert syndrome 14 (JBTS14). Identifiers: MedGen C3280766, MONDO:0013745, OMIM 614424.

Allele frequency attached by ClinVar (database versions not stated): gnomAD 0.00001; gnomAD exomes 0.00001 and 0.00003; TOPMed 0.00001; ExAC 0.00002.
gnomAD v4.1: 11 of 1,609,758 alleles (0.00068%); highest among the groups gnomAD compares: Admixed American, 0.015%; no homozygotes.

Submissions (2):

Labcorp Genetics (formerly Invitae), Labcorp
Classification: Uncertain significance for Joubert syndrome 14. Last evaluated: 2022-10-13. Review status: criteria provided, single submitter. Criteria: Invitae Variant Classification Sherloc (09022015). Collection method: clinical testing. Allele origin: germline.
Comment: This sequence change replaces histidine, which is basic and polar, with arginine, which is basic and polar, at codon 222 of the TMEM237 protein (p.His222Arg). This variant is present in population databases (rs749330370, gnomAD 0.02%). This variant has not been reported in the literature in individuals affected with TMEM237-related conditions. ClinVar contains an entry for this variant (Variation ID: 450257). Advanced modeling of protein sequence and biophysical properties (such as structural, functional, and spatial information, amino acid conservation, physicochemical variation, residue mobility, and thermodynamic stability) performed at Invitae indicates that this missense variant is expected to disrupt TMEM237 protein function. In summary, the available evidence is currently insufficient to determine the role of this variant in disease. Therefore, it has been classified as a Variant of Uncertain Significance.

GeneDx
Classification: Uncertain significance. Last evaluated: 2017-06-30. Review status: criteria provided, single submitter. Criteria: GeneDx Variant Classification (06012015). Collection method: clinical testing. Allele origin: germline. Affected: yes.
Comment: A variant of uncertain significance has been identified in the TMEM237 gene. The H222R variant has not been published as a pathogenic variant, nor has it been reported as a benign variant to our knowledge. The H222R variant is not observed at a significant frequency in large population cohorts (Lek et al., 2016; 1000 Genomes Consortium et al., 2015; Exome Variant Server). In silico analysis predicts this variant is probably damaging to the protein structure/function. However, the H222R variant is a conservative amino acid substitution, which is not likely to impact secondary protein structure as these residues share similar properties and this substitution occurs at a position that is not conserved. Therefore, based on the currently available information, it is unclear whether this variant is a pathogenic variant or a rare benign variant.